The following is an entry in ClinVar:

NM_152743.4(BRAT1):c.100G>A (p.Asp34Asn)

Gene: BRAT1 (BRCA1 associated ATM activator 1; minus strand). Cytogenetic location: 7p22.3.
Variant type: single nucleotide variant.
Coding change: c.100G>A on transcript NM_152743.4 (MANE Select); coding-DNA position 100, G replaced by A.
Protein change: p.Asp34Asn; replaces aspartic acid 34 with asparagine.
Molecular consequence: missense variant. On other transcripts: 5 prime UTR variant (1), non-coding transcript variant (1).
Genome position (GRCh38, 1-based): chr7:2,554,332, C>T on the plus strand (G>A on the coding strand, the complement: BRAT1 is on the minus strand). VCF-style: chr7-2554332-C-T. GRCh37 (hg19) VCF-style: chr7-2593966-C-T.
Other names: c.100G>A, p.Asp34Asn (NM_001350626.2); c.-278G>A (NM_001350627.2); short protein forms D34N.
Identifiers: ClinVar variation 1445354 (VCV001445354.7), dbSNP rs1780251689, ClinGen allele CA366633454.
Genomic context (GRCh38, chr7:2,554,332, plus strand): 5'-GATAGGCAGTAAACAGCAGCACCACCTCCTTACCTCCTTCAGTGACCGTTTTAAACCAGT[C>T]CAGGAGCTTCTCCAAACAGGTGTCATCTGCCACCGGCTGCCTGGGATCTACCAGAACAGC-3'
Protein context (NP_689956.2, residues 24-44): ADDTCLEKLL[Asp34Asn]WFKTVTEGES

ClinVar aggregate classification (germline): Uncertain significance (1 of 4 stars; one submission).

Conditions:
Neonatal-onset encephalopathy with rigidity and seizures. Also called: Lethal neonatal spasticity-epileptic encephalopathy syndrome. Identifiers: Orphanet 435845, MedGen C3281029, MONDO:0013784, OMIM 614498.

gnomAD v4.1: 1 of 1,613,994 alleles (0.000062%); no homozygotes.

Submission:

Labcorp Genetics (formerly Invitae), Labcorp
Classification: Uncertain significance for Neonatal-onset encephalopathy with rigidity and seizures. Last evaluated: 2024-04-29. Review status: criteria provided, single submitter. Criteria: Invitae Variant Classification Sherloc (09022015). Collection method: clinical testing. Allele origin: germline.
Comment: This sequence change replaces aspartic acid, which is acidic and polar, with asparagine, which is neutral and polar, at codon 34 of the BRAT1 protein (p.Asp34Asn). This variant is not present in population databases (gnomAD no frequency). This variant has not been reported in the literature in individuals affected with BRAT1-related conditions. ClinVar contains an entry for this variant (Variation ID: 1445354). Advanced modeling of protein sequence and biophysical properties (such as structural, functional, and spatial information, amino acid conservation, physicochemical variation, residue mobility, and thermodynamic stability) performed at Invitae indicates that this missense variant is expected to disrupt BRAT1 protein function with a positive predictive value of 80%. In summary, the available evidence is currently insufficient to determine the role of this variant in disease. Therefore, it has been classified as a Variant of Uncertain Significance.